The following is an entry in ClinVar:

ClinVar aggregate classification (germline): Uncertain significance. Review status: criteria provided, multiple submitters, no conflicts (2 of 4 stars). 2 submissions from 2 submitters: Uncertain significance (2). Last evaluated 2023-04-13.

Conditions:
Inborn genetic diseases. Identifiers: MedGen C0950123, MeSH D030342.

Allele frequency attached by ClinVar (database versions not stated): gnomAD exomes below 0.00001 and 0.00002; gnomAD 0.00001; ExAC 0.00002; TOPMed 0.00003.
gnomAD v4.1: 8 of 1,614,066 alleles (0.0005%); highest among the groups gnomAD compares: African/African-American, 0.0053%; no homozygotes.

Submissions (2):

Ambry Genetics
Classification: Uncertain significance for Inborn genetic diseases. Last evaluated: 2023-04-13. Review status: criteria provided, single submitter. Criteria: Ambry Variant Classification Scheme 2023. Collection method: clinical testing. Allele origin: germline.

GeneDx
Classification: Uncertain significance. Last evaluated: 2021-05-24. Review status: criteria provided, single submitter. Criteria: GeneDx Variant Classification Process June 2021. Collection method: clinical testing. Allele origin: germline. Affected: yes.
Comment: Not observed at significant frequency in large population cohorts (Lek et al., 2016); In silico analysis supports that this missense variant does not alter protein structure/function; Has not been previously published as pathogenic or benign to our knowledge

NM_013352.4(DSE):c.285T>G (p.Ser95Arg)

Gene: DSE (dermatan sulfate epimerase; plus strand). Cytogenetic location: 6q22.1.
Variant type: single nucleotide variant.
Coding change: c.285T>G on transcript NM_013352.4 (MANE Select); coding-DNA position 285, T replaced by G.
Protein change: p.Ser95Arg; replaces serine 95 with arginine.
Molecular consequence: missense variant. On other transcripts: 5 prime UTR variant (4), non-coding transcript variant (1).
Genome position (GRCh38, 1-based): chr6:116,399,535, T>G. VCF-style: chr6-116399535-T-G. GRCh37 (hg19) VCF-style: chr6-116720698-T-G.
Other names: c.285T>G, p.Ser95Arg (NM_001080976.3, NM_001322937.2, NM_001322938.2 and 3 more transcripts); c.342T>G, p.Ser114Arg (NM_001322939.2); c.-273T>G (NM_001322940.2, NM_001322941.2); c.-616T>G (NM_001374520.1); c.-303T>G (NM_001374521.1); short protein forms S114R, S95R.
Identifiers: ClinVar variation 1326632 (VCV001326632.4), dbSNP rs781449748, ClinGen allele CA3969497.